The following is an entry in ClinVar:

ClinVar aggregate classification (germline): Uncertain significance (1 of 4 stars; one submission).

Allele frequency attached by ClinVar (database versions not stated): gnomAD exomes below 0.00001; TOPMed below 0.00001.
gnomAD v4.1: 5 of 1,613,448 alleles (0.00031%); highest among the groups gnomAD compares: Non-Finnish European, 0.00042%; no homozygotes.

Submission:

GeneDx
Classification: Uncertain significance. Last evaluated: 2022-03-14. Review status: criteria provided, single submitter. Criteria: GeneDx Variant Classification Process June 2021. Collection method: clinical testing. Allele origin: germline. Affected: yes.
Comment: Not observed at significant frequency in large population cohorts (gnomAD); In silico analysis supports that this missense variant has a deleterious effect on protein structure/function; Has not been previously published as pathogenic or benign to our knowledge

NM_130811.4(SNAP25):c.164-235G>C

Gene: SNAP25 (synaptosome associated protein 25; plus strand). Cytogenetic location: 20p12.2.
Variant type: single nucleotide variant.
Coding change: c.164-235G>C on transcript NM_130811.4 (MANE Select); 235 bases into the intron before coding-DNA position 164, G replaced by C.
Molecular consequence: intron variant. On other transcripts: missense variant (2).
Genome position (GRCh38, 1-based): chr20:10,292,926, G>C. VCF-style: chr20-10292926-G-C. GRCh37 (hg19) VCF-style: chr20-10273574-G-C.
Other names: c.208G>C, p.Asp70His (NM_001322902.2, NM_003081.5); c.164-235G>C (NM_001322907.2, NM_001322910.2, NM_001322904.2 and 5 more transcripts); short protein forms D70H.
Identifiers: ClinVar variation 1706339 (VCV001706339.2), dbSNP rs2064030941, ClinGen allele CA408265659.